The following is an entry in ClinVar:

ClinVar aggregate classification (germline): Uncertain significance (1 of 4 stars; one submission).

Allele frequency attached by ClinVar (database versions not stated): gnomAD exomes below 0.00001.
gnomAD v4.1: 2 of 1,610,578 alleles (0.00012%); highest among the groups gnomAD compares: Non-Finnish European, 0.00017%; no homozygotes.

Submission:

Labcorp Genetics (formerly Invitae), Labcorp
Classification: Uncertain significance. Last evaluated: 2022-05-27. Review status: criteria provided, single submitter. Criteria: Invitae Variant Classification Sherloc (09022015). Collection method: clinical testing. Allele origin: germline.
Comment: In summary, the available evidence is currently insufficient to determine the role of this variant in disease. Therefore, it has been classified as a Variant of Uncertain Significance. Algorithms developed to predict the effect of missense changes on protein structure and function are either unavailable or do not agree on the potential impact of this missense change (SIFT: "Deleterious"; PolyPhen-2: "Benign"; Align-GVGD: "Class C55"). This variant has not been reported in the literature in individuals affected with LTBP2-related conditions. The frequency data for this variant in the population databases is considered unreliable, as metrics indicate poor data quality at this position in the gnomAD database. This sequence change replaces phenylalanine, which is neutral and non-polar, with serine, which is neutral and polar, at codon 29 of the LTBP2 protein (p.Phe29Ser).

NM_000428.3(LTBP2):c.86T>C (p.Phe29Ser)

Gene: LTBP2 (latent transforming growth factor beta binding protein 2; minus strand). Cytogenetic location: 14q24.3.
Variant type: single nucleotide variant.
Coding change: c.86T>C on transcript NM_000428.3 (MANE Select); coding-DNA position 86, T replaced by C.
Protein change: p.Phe29Ser; replaces phenylalanine 29 with serine.
Molecular consequence: missense variant.
Genome position (GRCh38, 1-based): chr14:74,611,859, A>G on the plus strand (T>C on the coding strand, the complement: LTBP2 is on the minus strand). VCF-style: chr14-74611859-A-G. GRCh37 (hg19) VCF-style: chr14-75078562-A-G.
Other names: short protein forms F29S.
Identifiers: ClinVar variation 2111949 (VCV002111949.4), dbSNP rs1246640406, ClinGen allele CA390388898.